The following is an entry in ClinVar:

NM_000051.4(ATM):c.8419-11T>G

Genes: ATM (ATM serine/threonine kinase; plus strand), C11orf65 (chromosome 11 open reading frame 65; minus strand). Cytogenetic location: 11q22.3.
Variant type: single nucleotide variant.
Coding change: c.8419-11T>G on transcript NM_000051.4 (MANE Select); 11 bases into the intron before coding-DNA position 8419, T replaced by G.
Molecular consequence: intron variant.
Genome position (GRCh38, 1-based): chr11:108,345,732, T>G. VCF-style: chr11-108345732-T-G. GRCh37 (hg19) VCF-style: chr11-108216459-T-G.
Other names: c.8419-11T>G (NM_001351834.2); c.641-36661A>C (NM_001330368.2); c.695-10440A>C (NM_001351110.2).
Identifiers: ClinVar variation 2756851 (VCV002756851.3), dbSNP rs2088259467, ClinGen allele CA2697558943.

ClinVar aggregate classification (germline): Uncertain significance (1 of 4 stars; one submission).

Conditions:
Ataxia-telangiectasia syndrome (AT). Also called: LOUIS-BAR SYNDROME; Cerebello-oculocutaneous telangiectasia; Immunodeficiency with ataxia telangiectasia; Ataxia telangiectasia (A-T); Ataxia-telangiectasia, complementation group D; AT, COMPLEMENTATION GROUP C. Identifiers: Orphanet 100, MedGen C0004135, MONDO:0008840, OMIM 208900.

Submission:

Labcorp Genetics (formerly Invitae), Labcorp
Classification: Uncertain significance for Ataxia-telangiectasia syndrome. Last evaluated: 2023-08-31. Review status: criteria provided, single submitter. Criteria: Invitae Variant Classification Sherloc (09022015). Collection method: clinical testing. Allele origin: germline.
Comment: In summary, the available evidence is currently insufficient to determine the role of this variant in disease. Therefore, it has been classified as a Variant of Uncertain Significance. Algorithms developed to predict the effect of sequence changes on RNA splicing suggest that this variant may disrupt the consensus splice site. This variant has not been reported in the literature in individuals affected with ATM-related conditions. This variant is not present in population databases (gnomAD no frequency). This sequence change falls in intron 57 of the ATM gene. It does not directly change the encoded amino acid sequence of the ATM protein.